The following is an entry in ClinVar:

ClinVar aggregate classification (germline): Uncertain significance (1 of 4 stars; one submission).

Conditions:
Malignant hyperthermia, susceptibility to, 5 (MHS5). Also called: CACNA1S-Related Malignant Hyperthermia Susceptibility. Identifiers: Orphanet 423, MedGen C1866077, MONDO:0011163, OMIM 601887.
Hypokalemic periodic paralysis, type 1. Also called: HypoPP; Hypokalemic Periodic Paralysis Type 1 (AD). Identifiers: Orphanet 681, MedGen C3714580, MONDO:0042979, OMIM 170400.

Allele frequency attached by ClinVar (database versions not stated): gnomAD 0.00001.

Submission:

Labcorp Genetics (formerly Invitae), Labcorp
Classification: Uncertain significance for Hypokalemic periodic paralysis, type 1; Malignant hyperthermia, susceptibility to, 5. Last evaluated: 2022-04-22. Review status: criteria provided, single submitter. Criteria: Invitae Variant Classification Sherloc (09022015). Collection method: clinical testing. Allele origin: germline.
Comment: In summary, the available evidence is currently insufficient to determine the role of this variant in disease. Therefore, it has been classified as a Variant of Uncertain Significance. Advanced modeling of protein sequence and biophysical properties (such as structural, functional, and spatial information, amino acid conservation, physicochemical variation, residue mobility, and thermodynamic stability) performed at Invitae indicates that this missense variant is not expected to disrupt CACNA1S protein function. This variant has not been reported in the literature in individuals affected with CACNA1S-related conditions. This variant is not present in population databases (gnomAD no frequency). This sequence change replaces alanine, which is neutral and non-polar, with aspartic acid, which is acidic and polar, at codon 1156 of the CACNA1S protein (p.Ala1156Asp).

NM_000069.3(CACNA1S):c.3467C>A (p.Ala1156Asp)

Gene: CACNA1S (calcium voltage-gated channel subunit alpha1 S; minus strand). Cytogenetic location: 1q32.1.
Variant type: single nucleotide variant.
Coding change: c.3467C>A on transcript NM_000069.3 (MANE Select); coding-DNA position 3467, C replaced by A.
Protein change: p.Ala1156Asp; replaces alanine 1156 with aspartic acid.
Molecular consequence: missense variant.
Genome position (GRCh38, 1-based): chr1:201,059,247, G>T on the plus strand (C>A on the coding strand, the complement: CACNA1S is on the minus strand). VCF-style: chr1-201059247-G-T. GRCh37 (hg19) VCF-style: chr1-201028375-G-T.
Other names: short protein forms A1156D.
Identifiers: ClinVar variation 2421845 (VCV002421845.7), dbSNP rs1660958234, ClinGen allele CA344158529.